The following is an entry in ClinVar:

ClinVar aggregate classification (germline): Uncertain significance (1 of 4 stars; one submission).

Conditions:
Familial cancer of breast. Also called: hereditary breast carcinoma; BREAST CANCER, FAMILIAL; Hereditary breast cancer. Identifiers: Orphanet 227535, MedGen C0346153, MONDO:0016419, OMIM 114480. Disease mechanism: loss of function.

Submission:

Labcorp Genetics (formerly Invitae), Labcorp
Classification: Uncertain significance for Familial cancer of breast. Last evaluated: 2024-03-12. Review status: criteria provided, single submitter. Criteria: Invitae Variant Classification Sherloc (09022015). Collection method: clinical testing. Allele origin: germline.
Comment: This sequence change replaces alanine, which is neutral and non-polar, with aspartic acid, which is acidic and polar, at codon 161 of the BARD1 protein (p.Ala161Asp). This variant is not present in population databases (gnomAD no frequency). This variant has not been reported in the literature in individuals affected with BARD1-related conditions. An algorithm developed to predict the effect of missense changes on protein structure and function (PolyPhen-2) suggests that this variant is likely to be tolerated. In summary, the available evidence is currently insufficient to determine the role of this variant in disease. Therefore, it has been classified as a Variant of Uncertain Significance.

NM_000465.4(BARD1):c.482C>A (p.Ala161Asp)

Gene: BARD1 (BRCA1 associated RING domain 1; minus strand). Cytogenetic location: 2q35.
Variant type: single nucleotide variant.
Coding change: c.482C>A on transcript NM_000465.4 (MANE Select); coding-DNA position 482, C replaced by A.
Protein change: p.Ala161Asp; replaces alanine 161 with aspartic acid.
Molecular consequence: missense variant. On other transcripts: non-coding transcript variant (2), intron variant (3).
Genome position (GRCh38, 1-based): chr2:214,781,392, G>T on the plus strand (C>A on the coding strand, the complement: BARD1 is on the minus strand). VCF-style: chr2-214781392-G-T. GRCh37 (hg19) VCF-style: chr2-215646116-G-T.
Other names: c.425C>A, p.Ala142Asp (NM_001282543.2); c.158+28020C>A (NM_001282548.2); c.215+15669C>A (NM_001282545.2); c.364+10905C>A (NM_001282549.2); short protein forms A161D, A142D.
Identifiers: ClinVar variation 3645420 (VCV003645420.2).
Genomic context (GRCh38, chr2:214,781,392, plus strand): 5'-TCATATGAGTCTTGCTGAGCACTTGCATCTTTTTTTATTGCAGGCTGGGTTTGCACTGAA[G>T]CTTTACTCACAACATATCTGACTTTCTTACTTCGAGGGCTAAACCACATTTTAATTGAAT-3'
Protein context (NP_000456.2, residues 151-171): SKKVRYVVSK[Ala161Asp]SVQTQPAIKK